The following is an entry in ClinVar:

NM_001077418.3(TMEM231):c.815A>C (p.Gln272Pro)

Gene: TMEM231 (transmembrane protein 231; minus strand). Cytogenetic location: 16q23.1.
Variant type: single nucleotide variant.
Coding change: c.815A>C on transcript NM_001077418.3 (MANE Select); coding-DNA position 815, A replaced by C.
Protein change: p.Gln272Pro; replaces glutamine 272 with proline.
Molecular consequence: missense variant. On other transcripts: non-coding transcript variant (1).
Genome position (GRCh38, 1-based): chr16:75,540,130, T>G on the plus strand (A>C on the coding strand, the complement: TMEM231 is on the minus strand). VCF-style: chr16-75540130-T-G. GRCh37 (hg19) VCF-style: chr16-75574028-T-G.
Other names: Q301P; c.974A>C, p.Gln325Pro (NM_001077416.2); short protein forms Q325P, Q272P.
Identifiers: ClinVar variation 64620 (VCV000064620.1), dbSNP rs397514754, ClinGen allele CA144706.

ClinVar aggregate classification (germline): Likely pathogenic. Review status: criteria provided, single submitter (1 of 4 stars). 2 submissions from 2 submitters: Likely pathogenic (1). 1 of the submissions does not count toward it. Last evaluated 2023-09-21.

Conditions:
Joubert syndrome and related disorders. Identifiers: Orphanet 140874, MedGen C5679612, MONDO:0015369.
Meckel syndrome, type 11 (MKS11). Identifiers: Orphanet 564, MedGen C3809352, MONDO:0014164, OMIM 615397.

Allele frequency attached by ClinVar (database versions not stated): gnomAD exomes below 0.00001.
gnomAD v4.1: 1 of 1,613,840 alleles (0.000062%); highest among the groups gnomAD compares: African/African-American, 0.0013%; no homozygotes.

Submissions (2):

Women's Health and Genetics/Laboratory Corporation of America, LabCorp
Classification: Likely pathogenic for Joubert syndrome and related disorders. Last evaluated: 2023-09-21. Review status: criteria provided, single submitter. Criteria: LabCorp Variant Classification Summary - May 2015. Collection method: clinical testing. Allele origin: germline.
Comment: Variant summary: TMEM231 c.974A>C (p.Gln325Pro) results in a non-conservative amino acid change in the encoded protein sequence. Five of five in-silico tools predict a damaging effect of the variant on protein function. The variant was absent in 247938 control chromosomes. c.974A>C has been reported at a homozygous state in at-least two individuals affected with MeckelGruber syndrome, both of whom was born from an Arabian consanguineous family (examples, Shaheen_2012, 2013, 2015, Maddirevula_2020, Shamseldin_2021). These data indicate that the variant is likely to be associated with Joubert Syndrome And Related Disorders. To our knowledge, no experimental evidence demonstrating an impact on protein function has been reported. The following publications have been ascertained in the context of this evaluation (PMID: 32552793, 26123494, 23349226, 27711071, 23169490). No submitters have cited clinical-significance assessments for this variant to ClinVar after 2014. Based on the evidence outlined above, the variant was classified as likely pathogenic.

OMIM
Classification: Pathogenic for MECKEL SYNDROME, TYPE 11. Last evaluated: 2013-03-01. Review status: no assertion criteria provided. Collection method: literature only. Allele origin: germline. Not counted in ClinVar's aggregate classification.

Literature cited by the submitters: PubMed 32552793 (cited by Women's Health and Genetics/Laboratory Corporation of America, LabCorp); PubMed 26123494 (cited by Women's Health and Genetics/Laboratory Corporation of America, LabCorp); PubMed 27711071 (cited by Women's Health and Genetics/Laboratory Corporation of America, LabCorp); PubMed 23169490 (cited by Women's Health and Genetics/Laboratory Corporation of America, LabCorp); PubMed 23349226 (cited by Women's Health and Genetics/Laboratory Corporation of America, LabCorp and OMIM).